The following is an entry in ClinVar:

NM_000548.5(TSC2):c.3940C>A (p.Pro1314Thr)

Gene: TSC2 (TSC complex subunit 2; plus strand). Cytogenetic location: 16p13.3.
Variant type: single nucleotide variant.
Coding change: c.3940C>A on transcript NM_000548.5 (MANE Select); coding-DNA position 3940, C replaced by A.
Protein change: p.Pro1314Thr; replaces proline 1314 with threonine.
Molecular consequence: missense variant.
Genome position (GRCh38, 1-based): chr16:2,083,751, C>A. VCF-style: chr16-2083751-C-A. GRCh37 (hg19) VCF-style: chr16-2133752-C-A.
Other names: c.3739C>A, p.Pro1247Thr (NM_001077183.3); c.3871C>A, p.Pro1291Thr (NM_001114382.3); c.3631C>A, p.Pro1211Thr (NM_001318827.2); c.3595C>A, p.Pro1199Thr (NM_001318829.2); c.3208C>A, p.Pro1070Thr (NM_001318831.2); c.3772C>A, p.Pro1258Thr (NM_001318832.2); c.3742C>A, p.Pro1248Thr (NM_001363528.2); c.3808C>A, p.Pro1270Thr (NM_001370404.1); and 26 more; short protein forms P1048T, P1090T, P1091T, P1210T, P1241T, P1247T, P1271T, P1288T.
Identifiers: ClinVar variation 1736352 (VCV001736352.4), dbSNP rs771499212, ClinGen allele CA394297304.

ClinVar aggregate classification (germline): Uncertain significance. Review status: criteria provided, multiple submitters, no conflicts (2 of 4 stars). 2 submissions from 2 submitters: Uncertain significance (2). Last evaluated 2025-09-18.

Conditions:
Hereditary cancer-predisposing syndrome. Also called: Neoplastic Syndromes, Hereditary; Tumor predisposition; Hereditary Cancer Syndrome; Hereditary neoplastic syndrome. Identifiers: Orphanet 140162, MedGen C0027672, MeSH D009386, MONDO:0015356.
Tuberous sclerosis syndrome (TSC). Also called: Tuberous Sclerosis Complex; Tuberous sclerosis. Identifiers: Orphanet 805, MedGen C0041341, MONDO:0001734.

Submissions (2):

Color Diagnostics, LLC DBA Color Health
Classification: Uncertain significance for Tuberous sclerosis syndrome. Last evaluated: 2025-09-18. Review status: criteria provided, single submitter. Criteria: ACMG Guidelines, 2015. Collection method: clinical testing. Allele origin: germline.
Comment: This missense variant replaces proline with threonine at codon 1314 of the TSC2 protein. Computational prediction is inconclusive regarding the impact of this variant on protein structure and function. To our knowledge, functional studies have not been reported for this variant. This variant has not been reported in individuals affected with TSC2-related disorders in the literature. This variant has not been identified in the general population by the Genome Aggregation Database (gnomAD). The available evidence is insufficient to determine the role of this variant in disease conclusively. Therefore, this variant is classified as a Variant of Uncertain Significance.

Ambry Genetics
Classification: Uncertain significance for Hereditary cancer-predisposing syndrome. Last evaluated: 2025-04-08. Review status: criteria provided, single submitter. Criteria: Ambry Variant Classification Scheme 2023. Collection method: clinical testing. Allele origin: germline.
Comment: The p.P1314T variant (also known as c.3940C>A), located in coding exon 32 of the TSC2 gene, results from a C to A substitution at nucleotide position 3940. The proline at codon 1314 is replaced by threonine, an amino acid with highly similar properties. This amino acid position is not well conserved in available vertebrate species. In addition, the in silico prediction for this alteration is inconclusive. Since supporting evidence is limited at this time, the clinical significance of this alteration remains unclear.